The following is an entry in ClinVar:

ClinVar aggregate classification (germline): Benign. Review status: reviewed by expert panel (3 of 4 stars). 17 submissions from 17 submitters: Benign (1). 16 of the submissions do not count toward it. Last evaluated 2013-09-05.

Conditions:
Endometrial carcinoma. Also called: Endometrial carcinoma, somatic. Identifiers: MedGen C0476089, MONDO:0002447, OMIM 608089, HP:0012114.
Mismatch repair cancer syndrome 3. Identifiers: MedGen C5436807, MONDO:0030841, OMIM 619097.
Lynch syndrome 5 (LYNCH5). Also called: Colorectal cancer, hereditary nonpolyposis, type 5; Hereditary non-polyposis colorectal cancer, type 5. Identifiers: Orphanet 144, MedGen C1833477, MONDO:0013710, OMIM 614350. Disease mechanism: loss of function.
Lynch syndrome. Identifiers: Orphanet 144, MedGen C4552100, MONDO:0005835. Disease mechanism: loss of function.
Familial cancer of breast. Also called: Hereditary breast cancer; hereditary breast carcinoma; BREAST CANCER, FAMILIAL. Identifiers: Orphanet 227535, MedGen C0346153, MONDO:0016419, OMIM 114480. Disease mechanism: loss of function.
Hereditary cancer-predisposing syndrome. Also called: Neoplastic Syndromes, Hereditary; Hereditary Cancer Syndrome; Tumor predisposition; Hereditary neoplastic syndrome. Identifiers: Orphanet 140162, MedGen C0027672, MeSH D009386, MONDO:0015356.

Submissions (17):

International Society for Gastrointestinal Hereditary Tumours (InSiGHT)
Classification: Benign for Lynch Syndrome. Last evaluated: 2013-09-05. Review status: reviewed by expert panel. Criteria: Guidelines v1.9. Collection method: research. Allele origin: germline.
Comment: MAF >1%

Classified with v1.9 guidelines
ClinVar note: Converted during submission from no known pathogenicity to Benign.

Center for Genomic Medicine, Rigshospitalet, Copenhagen University Hospital
Classification: Benign. Last evaluated: 2025-03-04. Review status: criteria provided, single submitter. Criteria: ACMG Guidelines, 2015. Collection method: clinical testing. Allele origin: germline. Not counted in ClinVar's aggregate classification.

Blueprint Genetics
Classification: Likely benign. Last evaluated: 2024-11-26. Review status: criteria provided, single submitter. Criteria: ACMG Guidelines, 2015. Collection method: clinical testing. Allele origin: germline. Not counted in ClinVar's aggregate classification.

Department of Pathology and Laboratory Medicine, Sinai Health System
Classification: Benign for hereditary breast carcinoma. Last evaluated: 2024-11-25. Review status: criteria provided, single submitter. Criteria: ACMG Guidelines, 2015. Collection method: clinical testing. Allele origin: germline. Not counted in ClinVar's aggregate classification.

Unidad de Genómica Garrahan, Hospital de Pediatría Garrahan
Classification: Benign. Last evaluated: 2024-01-24. Review status: criteria provided, single submitter. Criteria: ACMG Guidelines, 2015. Collection method: clinical testing. Allele origin: germline. Affected: no. Observed: 24 variant alleles. Not counted in ClinVar's aggregate classification.
Comment: This variant is classified as Benign based on local population frequency. This variant was detected in 25% of patients studied by a panel of primary immunodeficiencies. Number of patients: 24. Only high quality variants are reported.

Fulgent Genetics
Classification: Likely benign for Endometrial carcinoma; Lynch syndrome 5; Mismatch repair cancer syndrome 3. Last evaluated: 2022-05-13. Review status: criteria provided, single submitter. Criteria: ACMG Guidelines, 2015. Collection method: clinical testing. Allele origin: unknown. Not counted in ClinVar's aggregate classification.

Sema4
Classification: Benign for Hereditary cancer-predisposing syndrome. Last evaluated: 2022-01-06. Review status: criteria provided, single submitter. Criteria: Sema4 Curation Guidelines. Collection method: curation. Allele origin: germline. Not counted in ClinVar's aggregate classification.

Color Diagnostics, LLC DBA Color Health
Classification: Benign for Hereditary cancer-predisposing syndrome. Last evaluated: 2022-01-02. Review status: criteria provided, single submitter. Criteria: ACMG Guidelines, 2015. Collection method: clinical testing. Allele origin: germline. Not counted in ClinVar's aggregate classification.

GeneDx
Classification: Benign. Last evaluated: 2019-11-19. Review status: criteria provided, single submitter. Criteria: GeneDx Variant Classification Process June 2021. Collection method: clinical testing. Allele origin: germline. Affected: yes. Not counted in ClinVar's aggregate classification.

Women's Health and Genetics/Laboratory Corporation of America, LabCorp
Classification: Benign. Last evaluated: 2019-02-07. Review status: criteria provided, single submitter. Criteria: LabCorp Variant Classification Summary - May 2015. Collection method: clinical testing. Allele origin: germline. Not counted in ClinVar's aggregate classification.
Comment: Variant summary: MSH6 c.3557-4dupT alters a non-conserved nucleotide located close to a canonical splice site and therefore could affect mRNA splicing, leading to a significantly altered protein sequence. 5/5 computational tools predict no significant impact on normal splicing. However, these predictions have yet to be confirmed by functional studies. The variant allele was found at a frequency of 0.15 in 27938 control chromosomes in the gnomAD database, including 314 homozygotes. The observed variant frequency is approximately 1075 fold of the estimated maximal expected allele frequency for a pathogenic variant in MSH6 causing Lynch Syndrome phenotype (0.00014), strongly suggesting that the variant is benign. c.3557-4dupT has been reported in the literature in multiple affected individuals and also, a large number of controls and has been described as a polymorphism (Wasielewski_2010, Vahteristo_2005, Charames_2000). To our knowledge, no experimental evidence demonstrating an impact on protein function has been reported. A ClinVar submission from a clinical diagnostic laboratory (evaluation after 2014) cites the variant as benign. Based on the evidence outlined above, the variant was classified as benign.

Ambry Genetics
Classification: Likely benign for Hereditary cancer-predisposing syndrome. Last evaluated: 2012-11-06. Review status: criteria provided, single submitter. Criteria: Ambry Autosomal Dominant and X-Linked criteria (10/2015). Collection method: clinical testing. Allele origin: germline. Observed: 1 variant allele. Not counted in ClinVar's aggregate classification.

Clinical Genetics Laboratory, Department of Pathology, Netherlands Cancer Institute
Classification: Benign. Review status: no assertion criteria provided. Collection method: clinical testing. Allele origin: germline. Affected: yes. Study: VKGL Data-share Consensus. Not counted in ClinVar's aggregate classification.

Clinical Genetics, Academic Medical Center
Classification: Benign. Review status: no assertion criteria provided. Collection method: clinical testing. Allele origin: germline. Affected: yes. Study: VKGL Data-share Consensus. Not counted in ClinVar's aggregate classification.

Diagnostic Laboratory, Department of Genetics, University Medical Center Groningen
Classification: Benign for Lynch syndrome 5. Review status: no assertion criteria provided. Collection method: clinical testing. Allele origin: germline. Affected: yes. Study: VKGL Data-share Consensus. Not counted in ClinVar's aggregate classification.

Genome Diagnostics Laboratory, University Medical Center Utrecht
Classification: Benign. Review status: no assertion criteria provided. Collection method: clinical testing. Allele origin: germline. Affected: yes. Study: VKGL Data-share Consensus. Not counted in ClinVar's aggregate classification.

Laboratory of Diagnostic Genome Analysis, Leiden University Medical Center (LUMC)
Classification: Benign. Review status: no assertion criteria provided. Collection method: clinical testing. Allele origin: germline. Affected: yes. Study: VKGL Data-share Consensus. Not counted in ClinVar's aggregate classification.

Mayo Clinic Laboratories, Mayo Clinic
Classification: Benign. Review status: no assertion criteria provided. Collection method: clinical testing. Allele origin: unknown. Not counted in ClinVar's aggregate classification.

Literature cited by the submitters: PubMed 11153917 (cited by Department of Pathology and Laboratory Medicine, Sinai Health System and Women's Health and Genetics/Laboratory Corporation of America, LabCorp); PubMed 19924528 (cited by Department of Pathology and Laboratory Medicine, Sinai Health System and Women's Health and Genetics/Laboratory Corporation of America, LabCorp); PubMed 15805151 (cited by Women's Health and Genetics/Laboratory Corporation of America, LabCorp).

NM_000179.3(MSH6):c.3557-4dup

Gene: MSH6 (mutS homolog 6; plus strand). Cytogenetic location: 2p16.3.
Variant type: Duplication.
Coding change: c.3557-4dup on transcript NM_000179.3 (MANE Select); 4 bases into the intron before coding-DNA position 3557, one base duplicated (T; older notation c.3557-4dupT).
Molecular consequence: intron variant.
Genome position (GRCh38, 1-based): chr2:47,805,614, T duplicated; the last of 13 consecutive T bases (chr2:47,805,602-47,805,614); duplicating any one gives the same sequence. VCF-style (leftmost placement, unchanged base first): chr2-47805601-A-AT. GRCh37 (hg19) VCF-style: chr2-48032740-A-AT.
Other names: c.2651-4dup (NM_001281493.2, NM_001281494.2); c.3167-4dup (NM_001281492.2); c.3557-14_3557-13insT (NM_000179.2); c.3557-4dupT (NM_000179.3); c.3557-16dup (NM_000179.3).
Identifiers: ClinVar variation 89418 (VCV000089418.29), dbSNP rs267608102, ClinGen allele CA013400.